The following is an entry in ClinVar:

NM_001111125.3(IQSEC2):c.1391_1393del (p.Phe464del)

Gene: IQSEC2 (IQ motif and Sec7 domain ArfGEF 2; minus strand). Cytogenetic location: Xp11.22.
Variant type: Deletion.
Coding change: c.1391_1393del on transcript NM_001111125.3 (MANE Select); coding-DNA positions 1391 to 1393, 3 bases deleted (TCT; older notation c.1391_1393delTCT).
Protein change: p.Phe464del; deletes phenylalanine 464.
Molecular consequence: inframe deletion.
Genome position (GRCh38, 1-based): chrX:53,254,538-53,254,540, AGA deleted on the plus strand (TCT on the coding strand, the reverse complement: IQSEC2 is on the minus strand); deleting any 3 consecutive bases within chrX:53,254,538-53,254,542 gives the same sequence; the c. name uses the placement nearest the transcript's 3' end. VCF-style (leftmost placement, unchanged base first): chrX-53254537-GAGA-G. GRCh37 (hg19) VCF-style: chrX-53283719-GAGA-G.
Other names: c.776_778del, p.Phe259del (NM_015075.2); short protein forms F464del, F259del.
Identifiers: ClinVar variation 950422 (VCV000950422.8), dbSNP rs2074437084, ClinGen allele CA1139667573.
Genomic context (GRCh38, chrX:53,254,537, plus strand): 5'-GAGTAGCCAGAACACGGGGATGGGGAAGAAAGGTCCTTTTCAGGGATCCTGACCTGTTTG[GAGA>G]AGGAGTCCTCAAGTTCTGTGATGTCATTAGAAAACTCTCCAGATGTGGTGACGGAGCTTC-3'

ClinVar aggregate classification (germline): Uncertain significance (1 of 4 stars; one submission).

Conditions:
Intellectual developmental disorder, X-linked 1. Also called: Atkin Flaitz Patil Smith syndrome; MENTAL RETARDATION, X-LINKED 18; MENTAL RETARDATION, X-LINKED 78; Intellectual disability, X-linked 1. Identifiers: Orphanet 777, MedGen C2931498, MONDO:0010656, OMIM 309530.

Submission:

Labcorp Genetics (formerly Invitae), Labcorp
Classification: Uncertain significance for Intellectual developmental disorder, X-linked 1. Last evaluated: 2021-11-04. Review status: criteria provided, single submitter. Criteria: Invitae Variant Classification Sherloc (09022015). Collection method: clinical testing. Allele origin: germline.
Comment: This variant, c.1391_1393del, results in the deletion of 1 amino acid(s) of the IQSEC2 protein (p.Phe464del), but otherwise preserves the integrity of the reading frame. This variant is not present in population databases (gnomAD no frequency). This variant has not been reported in the literature in individuals affected with IQSEC2-related conditions. ClinVar contains an entry for this variant (Variation ID: 950422). Experimental studies and prediction algorithms are not available or were not evaluated, and the functional significance of this variant is currently unknown. In summary, the available evidence is currently insufficient to determine the role of this variant in disease. Therefore, it has been classified as a Variant of Uncertain Significance.